The following is an entry in ClinVar:

NM_024675.4(PALB2):c.132dup (p.Lys45Ter)

Gene: PALB2 (partner and localizer of BRCA2; minus strand). Cytogenetic location: 16p12.2.
Variant type: Duplication.
Coding change: c.132dup on transcript NM_024675.4 (MANE Select); coding-DNA position 132, one base duplicated (T; older notation c.132dupT).
Protein change: p.Lys45Ter; replaces lysine 45 with a stop codon.
Molecular consequence: nonsense. On other transcripts: 5 prime UTR variant (8), intron variant (3).
Genome position (GRCh38, 1-based): chr16:23,637,929, A duplicated on the plus strand (T on the coding strand, the reverse complement: PALB2 is on the minus strand); the first of 2 consecutive A bases (chr16:23,637,929-23,637,930); duplicating either gives the same sequence. VCF-style (leftmost placement, unchanged base first): chr16-23637928-T-TA. GRCh37 (hg19) VCF-style: chr16-23649249-T-TA.
Other names: c.72dup, p.Lys25Ter (NM_001407296.1); c.132dup, p.Lys45Ter (NM_001407297.1, NM_001407298.1, NM_001407299.1 and 3 more transcripts); c.-754dup (NM_001407304.1, NM_001407305.1, NM_001407306.1 and 5 more transcripts); c.48+3181dup (NM_001407314.1); c.-105+3181dup (NM_001407313.1, NM_001407312.1); short protein forms K45*, K25*.
Identifiers: ClinVar variation 4724070 (VCV004724070.1).

ClinVar aggregate classification (germline): Pathogenic (1 of 4 stars; one submission).

Conditions:
Familial cancer of breast. Also called: hereditary breast carcinoma; BREAST CANCER, FAMILIAL; Hereditary breast cancer. Identifiers: Orphanet 227535, MedGen C0346153, MONDO:0016419, OMIM 114480. Disease mechanism: loss of function.

Submission:

Labcorp Genetics (formerly Invitae), Labcorp
Classification: Pathogenic for Familial cancer of breast. Last evaluated: 2025-07-27. Review status: criteria provided, single submitter. Criteria: Invitae Variant Classification Sherloc (09022015). Collection method: clinical testing. Allele origin: germline.
Comment: This sequence change creates a premature translational stop signal (p.Lys45*) in the PALB2 gene. It is expected to result in an absent or disrupted protein product. Loss-of-function variants in PALB2 are known to be pathogenic (PMID: 17200668, 17200671, 17200672, 24136930, 25099575). This variant is not present in population databases (gnomAD no frequency). This variant has not been reported in the literature in individuals affected with PALB2-related conditions. For these reasons, this variant has been classified as Pathogenic.

Literature cited by the submitters: PubMed 17200668; PubMed 17200671; PubMed 17200672; PubMed 24136930; PubMed 25099575.